The following is an entry in ClinVar:

ClinVar aggregate classification (germline): Uncertain significance (1 of 4 stars; one submission).

Conditions:
Immunodeficiency 35 (IMD35). Also called: Susceptibility to infection due to TYK2 deficiency; TYK2 DEFICIENCY; HIES WITH ATYPICAL MYCOBACTERIOSIS, AUTOSOMAL RECESSIVE; HYPER-IgE SYNDROME WITH ATYPICAL MYCOBACTERIOSIS, AUTOSOMAL RECESSIVE. Identifiers: Orphanet 331226, MedGen C1969086, MONDO:0012682, OMIM 611521.

Allele frequency attached by ClinVar (database versions not stated): ExAC 0.00001; gnomAD exomes 0.00001.
gnomAD v4.1: 3 of 1,614,152 alleles (0.00019%); highest among the groups gnomAD compares: Admixed American, 0.005%; no homozygotes.

Submission:

Labcorp Genetics (formerly Invitae), Labcorp
Classification: Uncertain significance for Immunodeficiency 35. Last evaluated: 2018-10-01. Review status: criteria provided, single submitter. Criteria: Invitae Variant Classification Sherloc (09022015). Collection method: clinical testing. Allele origin: germline.
Comment: This variant is present in population databases (rs777758037, ExAC 0.009%). This variant has not been reported in the literature in individuals with TYK2-related disease. Nucleotide substitutions within the consensus splice site are a relatively common cause of aberrant splicing (PMID: 17576681, 9536098). Algorithms developed to predict the effect of sequence changes on RNA splicing suggest that this variant may disrupt the consensus splice site, but this prediction has not been confirmed by published transcriptional studies. In summary, the available evidence is currently insufficient to determine the role of this variant in disease. Therefore, it has been classified as a Variant of Uncertain Significance. This sequence change falls in intron 4 of the TYK2 gene. It does not directly change the encoded amino acid sequence of the TYK2 protein, but it affects a nucleotide within the consensus splice site of the intron.

Literature cited by the submitters: PubMed 17576681; PubMed 9536098.

NM_003331.5(TYK2):c.317+4G>T

Gene: TYK2 (tyrosine kinase 2; minus strand). Cytogenetic location: 19p13.2.
Variant type: single nucleotide variant.
Coding change: c.317+4G>T on transcript NM_003331.5 (MANE Select); 4 bases into the intron after coding-DNA position 317, G replaced by T.
Molecular consequence: intron variant.
Genome position (GRCh38, 1-based): chr19:10,368,291, C>A on the plus strand (G>T on the coding strand, the complement: TYK2 is on the minus strand). VCF-style: chr19-10368291-C-A. GRCh37 (hg19) VCF-style: chr19-10478967-C-A.
Other names: c.317+4G>T (LRG_121t1).
Identifiers: ClinVar variation 644100 (VCV000644100.8), dbSNP rs777758037, ClinGen allele CA9193788.